The following is an entry in ClinVar:

ClinVar aggregate classification (germline): Likely benign (1 of 4 stars; one submission).

Submission:

CeGaT Center for Human Genetics Tuebingen
Classification: Likely benign. Last evaluated: 2026-02-01. Review status: criteria provided, single submitter. Criteria: CeGaT Center For Human Genetics Tuebingen Variant Classification Criteria Version 2. Collection method: clinical testing. Allele origin: germline. Affected: yes. Observed: 1 variant allele.
Comment: MUC5B: BP4, BS1

NM_002458.3(MUC5B):c.11492C>T (p.Ala3831Val)

Genes: MUC5B (mucin 5B, oligomeric mucus/gel-forming; plus strand), MUC5B-AS1 (MUC5B antisense RNA 1; minus strand). Cytogenetic location: 11p15.5.
Variant type: single nucleotide variant.
Coding change: c.11492C>T on transcript NM_002458.3 (MANE Select); coding-DNA position 11492, C replaced by T.
Protein change: p.Ala3831Val; replaces alanine 3831 with valine.
Molecular consequence: missense variant.
Genome position (GRCh38, 1-based): chr11:1,248,372, C>T. VCF-style: chr11-1248372-C-T. GRCh37 (hg19) VCF-style: chr11-1269602-C-T.
Other names: short protein forms A3831V.
Identifiers: ClinVar variation 4821337 (VCV004821337.4).